The following is an entry in ClinVar:

ClinVar aggregate classification (germline): Uncertain significance (1 of 4 stars; one submission).

Allele frequency attached by ClinVar (database versions not stated): gnomAD exomes below 0.00001.
gnomAD v4.1: 2 of 1,565,758 alleles (0.00013%); highest among the groups gnomAD compares: Non-Finnish European, 0.00017%; no homozygotes.

Submission:

Labcorp Genetics (formerly Invitae), Labcorp
Classification: Uncertain significance. Last evaluated: 2023-12-11. Review status: criteria provided, single submitter. Criteria: Invitae Variant Classification Sherloc (09022015). Collection method: clinical testing. Allele origin: germline.
Comment: This sequence change replaces glutamic acid, which is acidic and polar, with glycine, which is neutral and non-polar, at codon 171 of the TOP2B protein (p.Glu171Gly). The frequency data for this variant in the population databases is considered unreliable, as metrics indicate poor data quality at this position in the gnomAD database. This variant has not been reported in the literature in individuals affected with TOP2B-related conditions. An algorithm developed to predict the effect of missense changes on protein structure and function (PolyPhen-2) suggests that this variant is likely to be disruptive. In summary, the available evidence is currently insufficient to determine the role of this variant in disease. Therefore, it has been classified as a Variant of Uncertain Significance.

NM_001330700.2(TOP2B):c.527A>G (p.Glu176Gly)

Gene: TOP2B (DNA topoisomerase II beta; minus strand). Cytogenetic location: 3p24.2.
Variant type: single nucleotide variant.
Coding change: c.527A>G on transcript NM_001330700.2 (MANE Select); coding-DNA position 527, A replaced by G.
Protein change: p.Glu176Gly; replaces glutamic acid 176 with glycine.
Molecular consequence: missense variant.
Genome position (GRCh38, 1-based): chr3:25,638,179, T>C on the plus strand (A>G on the coding strand, the complement: TOP2B is on the minus strand). VCF-style: chr3-25638179-T-C. GRCh37 (hg19) VCF-style: chr3-25679670-T-C.
Other names: c.512A>G, p.Glu171Gly (NM_001068.3); short protein forms E171G, E176G.
Identifiers: ClinVar variation 2844079 (VCV002844079.3), dbSNP rs1473650062, ClinGen allele CA351913173.